The following is an entry in ClinVar:

NM_015158.5(KANK1):c.1607C>G (p.Thr536Arg)

Gene: KANK1 (KN motif and ankyrin repeat domains 1; plus strand). Cytogenetic location: 9p24.3.
Variant type: single nucleotide variant.
Coding change: c.1607C>G on transcript NM_015158.5 (MANE Select); coding-DNA position 1607, C replaced by G.
Protein change: p.Thr536Arg; replaces threonine 536 with arginine.
Molecular consequence: missense variant. On other transcripts: non-coding transcript variant (1).
Genome position (GRCh38, 1-based): chr9:712,373, C>G. VCF-style: chr9-712373-C-G. GRCh37 (hg19) VCF-style: chr9-712373-C-G.
Other names: c.1607C>G, p.Thr536Arg (NM_001256876.3, NM_001256877.3, NM_001354331.2 and 3 more transcripts); c.1133C>G, p.Thr378Arg (NM_001354333.2, NM_001354335.2, NM_001354336.2 and 10 more transcripts); short protein forms T378R, T536R.
Identifiers: ClinVar variation 4089610 (VCV004089610.2).

ClinVar aggregate classification (germline): Conflicting classifications of pathogenicity. Review status: criteria provided, conflicting classifications (1 of 4 stars). 2 submissions from 2 submitters: Uncertain significance (1); Likely benign (1). Last evaluated 2025-09-10.

gnomAD v4.1: 5 of 1,614,034 alleles (0.00031%); highest among the groups gnomAD compares: African/African-American, 0.0067%; no homozygotes.

Submissions (2):

Ambry Genetics
Classification: Likely benign. Last evaluated: 2025-09-10. Review status: criteria provided, single submitter. Criteria: Ambry Variant Classification Scheme 2023. Collection method: clinical testing. Allele origin: germline.

Labcorp Genetics (formerly Invitae), Labcorp
Classification: Uncertain significance. Last evaluated: 2025-06-12. Review status: criteria provided, single submitter. Criteria: Invitae Variant Classification Sherloc (09022015). Collection method: clinical testing. Allele origin: germline.
Comment: This sequence change replaces threonine, which is neutral and polar, with arginine, which is basic and polar, at codon 536 of the KANK1 protein (p.Thr536Arg). This variant is present in population databases (rs149011172, gnomAD 0.01%). This variant has not been reported in the literature in individuals affected with KANK1-related conditions. Invitae Evidence Modeling of protein sequence and biophysical properties (such as structural, functional, and spatial information, amino acid conservation, physicochemical variation, residue mobility, and thermodynamic stability) indicates that this missense variant is not expected to disrupt KANK1 protein function with a negative predictive value of 80%. In summary, the available evidence is currently insufficient to determine the role of this variant in disease. Therefore, it has been classified as a Variant of Uncertain Significance.